The following is an entry in ClinVar:

ClinVar aggregate classification (germline): Likely benign (1 of 4 stars; one submission).

gnomAD v4.1: 11 of 1,614,042 alleles (0.00068%); highest among the groups gnomAD compares: South Asian, 0.0011%; no homozygotes.

Submission:

CeGaT Center for Human Genetics Tuebingen
Classification: Likely benign. Last evaluated: 2024-10-01. Review status: criteria provided, single submitter. Criteria: CeGaT Center For Human Genetics Tuebingen Variant Classification Criteria Version 2. Collection method: clinical testing. Allele origin: germline. Affected: yes. Observed: 1 variant allele.
Comment: DERL3: BP4, BP7

NM_001002862.3(DERL3):c.432C>T (p.Phe144=)

Genes: DERL3 (derlin 3; minus strand), SMARCB1 (SWI/SNF related BAF chromatin remodeling complex subunit B1; plus strand). Cytogenetic location: 22q11.23.
Variant type: single nucleotide variant.
Coding change: c.432C>T on transcript NM_001002862.3 (MANE Select); coding-DNA position 432, C replaced by T.
Protein change: p.Phe144=; no amino-acid change (phenylalanine 144 retained).
Molecular consequence: synonymous variant. On other transcripts: 3 prime UTR variant (4).
Genome position (GRCh38, 1-based): chr22:23,837,750, G>A on the plus strand (C>T on the coding strand, the complement: DERL3 is on the minus strand). VCF-style: chr22-23837750-G-A. GRCh37 (hg19) VCF-style: chr22-24179937-G-A.
Other names: c.*3570G>A (NM_001007468.3, NM_001317946.2, NM_001362877.2 and 1 more transcripts); c.432C>T, p.Phe144= (NM_001135751.2, NM_001363072.2, NM_198440.4).
Identifiers: ClinVar variation 3389105 (VCV003389105.14).